The following is an entry in ClinVar:

NM_000016.6(ACADM):c.286+6C>T

Gene: ACADM (acyl-CoA dehydrogenase medium chain; plus strand). Cytogenetic location: 1p31.1.
Variant type: single nucleotide variant.
Coding change: c.286+6C>T on transcript NM_000016.6 (MANE Select); 6 bases into the intron after coding-DNA position 286, C replaced by T.
Molecular consequence: intron variant.
Genome position (GRCh38, 1-based): chr1:75,732,928, C>T. VCF-style: chr1-75732928-C-T. GRCh37 (hg19) VCF-style: chr1-76198613-C-T.
Other names: c.298+6C>T (NM_001127328.3); c.286+6C>T (NM_001286043.2); c.178+6C>T (NM_001286042.2); c.-100+6C>T (NM_001286044.2).
Identifiers: ClinVar variation 2202236 (VCV002202236.4), dbSNP rs1158401241, ClinGen allele CA524230334.

ClinVar aggregate classification (germline): Uncertain significance (1 of 4 stars; one submission).

Conditions:
Medium-chain acyl-coenzyme A dehydrogenase deficiency (ACADMD). Also called: Medium chain acyl-CoA dehydrogenase deficiency; MCADD; MCAD Deficiency; ACADM DEFICIENCY; CARNITINE DEFICIENCY SECONDARY TO MEDIUM-CHAIN ACYL-CoA DEHYDROGENASE DEFICIENCY; MCADH DEFICIENCY. Identifiers: Orphanet 42, MedGen C0220710, MONDO:0008721, OMIM 201450.

gnomAD v4.1: 12 of 1,613,658 alleles (0.00074%); highest among the groups gnomAD compares: Non-Finnish European, 0.001%; no homozygotes.

Submission:

Labcorp Genetics (formerly Invitae), Labcorp
Classification: Uncertain significance for Medium-chain acyl-coenzyme A dehydrogenase deficiency. Last evaluated: 2023-10-03. Review status: criteria provided, single submitter. Criteria: Invitae Variant Classification Sherloc (09022015). Collection method: clinical testing. Allele origin: germline.
Comment: This sequence change falls in intron 4 of the ACADM gene. It does not directly change the encoded amino acid sequence of the ACADM protein. It affects a nucleotide within the consensus splice site. This variant is present in population databases (no rsID available, gnomAD 0.0009%). This variant has not been reported in the literature in individuals affected with ACADM-related conditions. ClinVar contains an entry for this variant (Variation ID: 2202236). Variants that disrupt the consensus splice site are a relatively common cause of aberrant splicing (PMID: 17576681, 9536098). Algorithms developed to predict the effect of sequence changes on RNA splicing suggest that this variant is not likely to affect RNA splicing. In summary, the available evidence is currently insufficient to determine the role of this variant in disease. Therefore, it has been classified as a Variant of Uncertain Significance.

Literature cited by the submitters: PubMed 17576681; PubMed 9536098.